The following is an entry in ClinVar:

NM_001142800.2(EYS):c.6396A>G (p.Leu2132=)

Gene: EYS (EGF-like photoreceptor maintenance factor; minus strand). Cytogenetic location: 6q12.
Variant type: single nucleotide variant.
Coding change: c.6396A>G on transcript NM_001142800.2 (MANE Select); coding-DNA position 6396, A replaced by G.
Protein change: p.Leu2132=; no amino-acid change (leucine 2132 retained).
Molecular consequence: synonymous variant.
Genome position (GRCh38, 1-based): chr6:64,230,620, T>C on the plus strand (A>G on the coding strand, the complement: EYS is on the minus strand). VCF-style: chr6-64230620-T-C. GRCh37 (hg19) VCF-style: chr6-64940513-T-C.
Other names: c.6396A>G, p.Leu2132= (NM_001292009.2); c.6396A>G (NM_001142800.1).
Identifiers: ClinVar variation 2171955 (VCV002171955.5), dbSNP rs1442251335, ClinGen allele CA450758763.
Genomic context (GRCh38, chr6:64,230,620, plus strand): 5'-AGAAATACAAAAGGGTAATGAAGATTGATTACCTTTTTCACAGAAGCGGCCAGTGAAATG[T>C]AGTGGACAGTCACATTGGAATGACACTATGCCACTGGAGAGGAAGATGGCATGGCATGTG-3'
Protein context (NP_001136272.1, residues 2122-2142): GIVSFQCDCP[Leu2132=]HFTGRFCEKD

ClinVar aggregate classification (germline): Likely benign. Review status: criteria provided, multiple submitters, no conflicts (2 of 4 stars). 2 submissions from 2 submitters: Likely benign (2). Last evaluated 2026-05-08.

Conditions:
EYS-related disorder. Also called: EYS-related condition.

Allele frequency attached by ClinVar (database versions not stated): TOPMed below 0.00001; gnomAD exomes 0.00002; gnomAD 0.00003.
gnomAD v4.1: 30 of 1,551,082 alleles (0.0019%); highest among the groups gnomAD compares: Non-Finnish European, 0.0017%; no homozygotes.

Submissions (2):

PreventionGenetics, part of Exact Sciences
Classification: Likely benign for EYS-related condition. Last evaluated: 2026-05-08. Review status: criteria provided, single submitter. Criteria: ACMG Guidelines, 2015. Collection method: clinical testing. Allele origin: germline.
Comment: This variant is classified as likely benign based on ACMG/AMP sequence variant interpretation guidelines (Richards et al. 2015 PMID: 25741868, with internal and published modifications).

Labcorp Genetics (formerly Invitae), Labcorp
Classification: Likely benign. Last evaluated: 2024-01-16. Review status: criteria provided, single submitter. Criteria: Invitae Variant Classification Sherloc (09022015). Collection method: clinical testing. Allele origin: germline.